The following is an entry in ClinVar:

NM_138694.4(PKHD1):c.3669G>A (p.Arg1223=)

Gene: PKHD1 (PKHD1 ciliary IPT domain containing fibrocystin/polyductin; minus strand). Cytogenetic location: 6p12.2.
Variant type: single nucleotide variant.
Coding change: c.3669G>A on transcript NM_138694.4 (MANE Select); coding-DNA position 3669, G replaced by A.
Protein change: p.Arg1223=; no amino-acid change (arginine 1223 retained).
Molecular consequence: synonymous variant.
Genome position (GRCh38, 1-based): chr6:52,026,141, C>T on the plus strand (G>A on the coding strand, the complement: PKHD1 is on the minus strand). VCF-style: chr6-52026141-C-T. GRCh37 (hg19) VCF-style: chr6-51890939-C-T.
Other names: c.3669G>A, p.Arg1223= (NM_170724.3).
Identifiers: ClinVar variation 5000992 (VCV005000992.1).

ClinVar aggregate classification (germline): Likely benign (1 of 4 stars; one submission).

Conditions:
PKHD1-related disorder. Also called: PKHD1-related condition.

gnomAD v4.1: 3 of 1,614,114 alleles (0.00019%); highest among the groups gnomAD compares: Non-Finnish European, 0.00025%; no homozygotes.

Submission:

PreventionGenetics, part of Exact Sciences
Classification: Likely benign for PKHD1-related condition. Last evaluated: 2025-05-28. Review status: criteria provided, single submitter. Criteria: ACMG Guidelines, 2015. Collection method: clinical testing. Allele origin: germline.
Comment: This variant is classified as likely benign based on ACMG/AMP sequence variant interpretation guidelines (Richards et al. 2015 PMID: 25741868, with internal and published modifications).